The following is an entry in ClinVar:

ClinVar aggregate classification (germline): Uncertain significance. Review status: criteria provided, multiple submitters, no conflicts (2 of 4 stars). 2 submissions from 2 submitters: Uncertain significance (2). Last evaluated 2024-06-17.

Conditions:
Inborn genetic diseases. Identifiers: MedGen C0950123, MeSH D030342.

Allele frequency attached by ClinVar (database versions not stated): ExAC 0.00001; gnomAD exomes 0.00001.
gnomAD v4.1: 22 of 1,613,902 alleles (0.0014%); highest among the groups gnomAD compares: Non-Finnish European, 0.0018%; no homozygotes.

Submissions (2):

Labcorp Genetics (formerly Invitae), Labcorp
Classification: Uncertain significance. Last evaluated: 2024-06-17. Review status: criteria provided, single submitter. Criteria: Invitae Variant Classification Sherloc (09022015). Collection method: clinical testing. Allele origin: germline.
Comment: This sequence change replaces glutamic acid, which is acidic and polar, with lysine, which is basic and polar, at codon 1878 of the CAD protein (p.Glu1878Lys). This variant is present in population databases (rs762262469, gnomAD 0.003%). This variant has not been reported in the literature in individuals affected with CAD-related conditions. ClinVar contains an entry for this variant (Variation ID: 1361623). An algorithm developed to predict the effect of missense changes on protein structure and function (PolyPhen-2) suggests that this variant¬†is likely to be tolerated. In summary, the available evidence is currently insufficient to determine the role of this variant in disease. Therefore, it has been classified as a Variant of Uncertain Significance.

Ambry Genetics
Classification: Uncertain significance for Inborn genetic diseases. Last evaluated: 2021-07-15. Review status: criteria provided, single submitter. Criteria: Ambry Variant Classification Scheme 2023. Collection method: clinical testing. Allele origin: germline.

NM_004341.5(CAD):c.5632G>A (p.Glu1878Lys)

Gene: CAD (carbamoyl-phosphate synthetase 2, aspartate transcarbamylase, and dihydroorotase; plus strand). Cytogenetic location: 2p23.3.
Variant type: single nucleotide variant.
Coding change: c.5632G>A on transcript NM_004341.5 (MANE Select); coding-DNA position 5632, G replaced by A.
Protein change: p.Glu1878Lys; replaces glutamic acid 1878 with lysine.
Molecular consequence: missense variant.
Genome position (GRCh38, 1-based): chr2:27,240,949, G>A. VCF-style: chr2-27240949-G-A. GRCh37 (hg19) VCF-style: chr2-27463817-G-A.
Other names: c.5443G>A, p.Glu1815Lys (NM_001306079.2); c.5632G>A (NM_004341.3); short protein forms E1815K, E1878K.
Identifiers: ClinVar variation 1361623 (VCV001361623.6), dbSNP rs762262469, ClinGen allele CA1573963.